The following is an entry in ClinVar:

NM_007255.3(B4GALT7):c.134C>G (p.Ser45Cys)

Gene: B4GALT7 (beta-1,4-galactosyltransferase 7; plus strand). Cytogenetic location: 5q35.3.
Variant type: single nucleotide variant.
Coding change: c.134C>G on transcript NM_007255.3 (MANE Select); coding-DNA position 134, C replaced by G.
Protein change: p.Ser45Cys; replaces serine 45 with cysteine.
Molecular consequence: missense variant.
Genome position (GRCh38, 1-based): chr5:177,604,262, C>G. VCF-style: chr5-177604262-C-G. GRCh37 (hg19) VCF-style: chr5-177031263-C-G.
Other names: c.134C>G (NM_007255.2); short protein forms S45C.
Identifiers: ClinVar variation 1379267 (VCV001379267.8), dbSNP rs747688432, ClinGen allele CA362372782.

ClinVar aggregate classification (germline): Uncertain significance. Review status: criteria provided, multiple submitters, no conflicts (2 of 4 stars). 3 submissions from 3 submitters: Uncertain significance (3). Last evaluated 2024-01-17.

Conditions:
Inborn genetic diseases. Identifiers: MedGen C0950123, MeSH D030342.
Spondylodysplastic Ehlers-Danlos syndrome. Identifiers: Orphanet 536471, Orphanet 75496, MedGen C5680154, MONDO:0007526.

gnomAD v4.1: 5 of 1,613,544 alleles (0.00031%); highest among the groups gnomAD compares: Non-Finnish European, 0.00042%; no homozygotes.

Submissions (3):

Ambry Genetics
Classification: Uncertain significance for Inborn genetic diseases. Last evaluated: 2024-01-17. Review status: criteria provided, single submitter. Criteria: Ambry Variant Classification Scheme 2023. Collection method: clinical testing. Allele origin: germline.

Labcorp Genetics (formerly Invitae), Labcorp
Classification: Uncertain significance for Spondylodysplastic Ehlers-Danlos syndrome. Last evaluated: 2021-10-22. Review status: criteria provided, single submitter. Criteria: Invitae Variant Classification Sherloc (09022015). Collection method: clinical testing. Allele origin: germline.
Comment: This sequence change replaces serine with cysteine at codon 45 of the B4GALT7 protein (p.Ser45Cys). The serine residue is moderately conserved and there is a moderate physicochemical difference between serine and cysteine. This variant is not present in population databases (ExAC no frequency). This variant has not been reported in the literature in individuals affected with B4GALT7-related conditions. Algorithms developed to predict the effect of missense changes on protein structure and function are either unavailable or do not agree on the potential impact of this missense change (SIFT: "Deleterious"; PolyPhen-2: "Probably Damaging"; Align-GVGD: "Class C0"). In summary, the available evidence is currently insufficient to determine the role of this variant in disease. Therefore, it has been classified as a Variant of Uncertain Significance.

Breakthrough Genomics
Classification: Uncertain significance. Review status: criteria provided, single submitter. Criteria: ACMG Guidelines, 2015. Collection method: not provided. Allele origin: germline. Inheritance: Autosomal recessive inheritance. Affected: yes.